The following is an entry in ClinVar:

ClinVar aggregate classification (germline): Uncertain significance (1 of 4 stars; one submission).

Submission:

Dasa
Classification: Uncertain significance. Last evaluated: 2026-02-23. Review status: criteria provided, single submitter. Criteria: DASA Assertion Criteria. Collection method: clinical testing. Allele origin: germline.
Comment: NM_004560.4(ROR2):c.463+7T>G is a splice-region variant. This variant is rare in population databases. Computational prediction algorithms are consistent with a benign effect. The currently available literature and clinical evidence are not sufficient to establish a definitive association between this variant and the reported condition. Therefore, this variant is classified as a variant of uncertain significance.

NM_004560.4(ROR2):c.463+7T>G

Gene: ROR2 (ROR family WNT receptor 2; minus strand). Cytogenetic location: 9q22.31.
Variant type: single nucleotide variant.
Coding change: c.463+7T>G on transcript NM_004560.4 (MANE Select); 7 bases into the intron after coding-DNA position 463, T replaced by G.
Molecular consequence: intron variant.
Genome position (GRCh38, 1-based): chr9:91,757,265, A>C on the plus strand (T>G on the coding strand, the complement: ROR2 is on the minus strand). VCF-style: chr9-91757265-A-C. GRCh37 (hg19) VCF-style: chr9-94519547-A-C.
Other names: c.463+7T>G (NM_001318204.2).
Identifiers: ClinVar variation 4881523 (VCV004881523.2).